The following is an entry in ClinVar:

ClinVar aggregate classification (germline): Likely benign. Review status: criteria provided, multiple submitters, no conflicts (2 of 4 stars). 2 submissions from 2 submitters: Likely benign (2). Last evaluated 2025-10-24.

Allele frequency attached by ClinVar (database versions not stated): ExAC 0.00001; gnomAD 0.00001; gnomAD exomes 0.00001; TOPMed 0.00001.
gnomAD v4.1: 12 of 1,600,018 alleles (0.00075%); highest among the groups gnomAD compares: South Asian, 0.0055%; no homozygotes.

Submissions (2):

Labcorp Genetics (formerly Invitae), Labcorp
Classification: Likely benign. Last evaluated: 2025-10-24. Review status: criteria provided, single submitter. Criteria: Invitae Variant Classification Sherloc (09022015). Collection method: clinical testing. Allele origin: germline.

CeGaT Center for Human Genetics Tuebingen
Classification: Likely benign. Last evaluated: 2023-10-01. Review status: criteria provided, single submitter. Criteria: CeGaT Center For Human Genetics Tuebingen Variant Classification Criteria Version 2. Collection method: clinical testing. Allele origin: germline. Affected: yes. Observed: 1 variant allele.
Comment: BRD4: BP4, BP7

NM_001379291.1(BRD4):c.3384G>A (p.Ser1128=)

Gene: BRD4 (bromodomain containing 4; minus strand). Cytogenetic location: 19p13.12.
Variant type: single nucleotide variant.
Coding change: c.3384G>A on transcript NM_001379291.1 (MANE Select); coding-DNA position 3384, G replaced by A.
Protein change: p.Ser1128=; no amino-acid change (serine 1128 retained).
Molecular consequence: synonymous variant.
Genome position (GRCh38, 1-based): chr19:15,239,720, C>T on the plus strand (G>A on the coding strand, the complement: BRD4 is on the minus strand). VCF-style: chr19-15239720-C-T. GRCh37 (hg19) VCF-style: chr19-15350531-C-T.
Other names: c.3384G>A, p.Ser1128= (NM_058243.3).
Identifiers: ClinVar variation 2649447 (VCV002649447.27), dbSNP rs779410862, ClinGen allele CA9264699.